The following is an entry in ClinVar:

ClinVar aggregate classification (germline): Benign/Likely benign. Review status: criteria provided, multiple submitters, no conflicts (2 of 4 stars). 4 submissions from 4 submitters: Benign (1); Likely benign (3). Last evaluated 2024-12-27.

Conditions:
Hereditary cancer-predisposing syndrome. Also called: Neoplastic Syndromes, Hereditary; Tumor predisposition; Hereditary Cancer Syndrome; Hereditary neoplastic syndrome. Identifiers: Orphanet 140162, MedGen C0027672, MeSH D009386, MONDO:0015356.
Lynch syndrome 5 (LYNCH5). Also called: Colorectal cancer, hereditary nonpolyposis, type 5; Hereditary non-polyposis colorectal cancer, type 5. Identifiers: Orphanet 144, MedGen C1833477, MONDO:0013710, OMIM 614350. Disease mechanism: loss of function.
Hereditary nonpolyposis colorectal neoplasms. Identifiers: MedGen C0009405, MeSH D003123.

Submissions (4):

Myriad Genetics, Inc.
Classification: Benign for Lynch syndrome 5. Last evaluated: 2024-12-27. Review status: criteria provided, single submitter. Criteria: Myriad Autosomal Dominant, Autosomal Recessive and X-Linked Classification Criteria (2023). Collection method: clinical testing. Allele origin: unknown.
Comment: This variant is considered benign. This variant is a silent/synonymous amino acid change and it is not expected to impact splicing.

Ambry Genetics
Classification: Likely benign for Hereditary cancer-predisposing syndrome. Last evaluated: 2024-06-06. Review status: criteria provided, single submitter. Criteria: Ambry Variant Classification Scheme 2023. Collection method: clinical testing. Allele origin: germline.

Labcorp Genetics (formerly Invitae), Labcorp
Classification: Likely benign for Hereditary nonpolyposis colorectal neoplasms. Last evaluated: 2021-02-15. Review status: criteria provided, single submitter. Criteria: Invitae Variant Classification Sherloc (09022015). Collection method: clinical testing. Allele origin: germline.

Color Diagnostics, LLC DBA Color Health
Classification: Likely benign for Hereditary cancer-predisposing syndrome. Last evaluated: 2019-11-11. Review status: criteria provided, single submitter. Criteria: ACMG Guidelines, 2015. Collection method: clinical testing. Allele origin: germline.

NM_000179.3(MSH6):c.1758G>A (p.Val586=)

Gene: MSH6 (mutS homolog 6; plus strand). Cytogenetic location: 2p16.3.
Variant type: single nucleotide variant.
Coding change: c.1758G>A on transcript NM_000179.3 (MANE Select); coding-DNA position 1758, G replaced by A.
Protein change: p.Val586=; no amino-acid change (valine 586 retained).
Molecular consequence: synonymous variant.
Genome position (GRCh38, 1-based): chr2:47,799,741, G>A. VCF-style: chr2-47799741-G-A. GRCh37 (hg19) VCF-style: chr2-48026880-G-A.
Other names: c.1368G>A, p.Val456= (NM_001281492.2); c.852G>A, p.Val284= (NM_001281493.2, NM_001281494.2).
Identifiers: ClinVar variation 926069 (VCV000926069.12), dbSNP rs1669369784, ClinGen allele CA426121077.